The following is an entry in ClinVar:

ClinVar aggregate classification (germline): Uncertain significance (1 of 4 stars; one submission).

Conditions:
Early-onset Lafora body disease. Also called: Epilepsy, progressive myoclonic, 10. Identifiers: Orphanet 324290, MedGen C4225258, MONDO:0014717, OMIM 616640.

Allele frequency attached by ClinVar (database versions not stated): gnomAD 0.00001; gnomAD exomes 0.00001; TOPMed 0.00002.
gnomAD v4.1: 8 of 1,607,304 alleles (0.0005%); highest among the groups gnomAD compares: Admixed American, 0.0034%; no homozygotes.

Submission:

Labcorp Genetics (formerly Invitae), Labcorp
Classification: Uncertain significance for Early-onset Lafora body disease. Last evaluated: 2025-08-04. Review status: criteria provided, single submitter. Criteria: Invitae Variant Classification Sherloc (09022015). Collection method: clinical testing. Allele origin: germline.
Comment: This sequence change replaces glycine, which is neutral and non-polar, with serine, which is neutral and polar, at codon 288 of the PRDM8 protein (p.Gly288Ser). This variant is present in population databases (no rsID available, gnomAD 0.006%). This variant has not been reported in the literature in individuals affected with PRDM8-related conditions. ClinVar contains an entry for this variant (Variation ID: 1442650). An algorithm developed to predict the effect of missense changes on protein structure and function (PolyPhen-2) suggests that this variant is likely to be tolerated. In summary, the available evidence is currently insufficient to determine the role of this variant in disease. Therefore, it has been classified as a Variant of Uncertain Significance.

NM_001099403.2(PRDM8):c.862G>A (p.Gly288Ser)

Gene: PRDM8 (PR/SET domain 8; plus strand). Cytogenetic location: 4q21.21.
Variant type: single nucleotide variant.
Coding change: c.862G>A on transcript NM_001099403.2 (MANE Select); coding-DNA position 862, G replaced by A.
Protein change: p.Gly288Ser; replaces glycine 288 with serine.
Molecular consequence: missense variant.
Genome position (GRCh38, 1-based): chr4:80,202,324, G>A. VCF-style: chr4-80202324-G-A. GRCh37 (hg19) VCF-style: chr4-81123478-G-A.
Other names: c.862G>A, p.Gly288Ser (NM_020226.4); short protein forms G288S.
Identifiers: ClinVar variation 1442650 (VCV001442650.7), dbSNP rs930461579, ClinGen allele CA100000409.